The following is an entry in ClinVar:

ClinVar aggregate classification (germline): Uncertain significance. Review status: criteria provided, multiple submitters, no conflicts (2 of 4 stars). 2 submissions from 2 submitters: Uncertain significance (2). Last evaluated 2025-05-28.

Allele frequency attached by ClinVar (database versions not stated): gnomAD exomes 0.00001 and 0.00002; TOPMed 0.00004; gnomAD 0.00005 and 0.00006; ExAC 0.00006.
gnomAD v4.1: 21 of 1,598,784 alleles (0.0013%); highest among the groups gnomAD compares: Admixed American, 0.021%; no homozygotes.

Submissions (2):

Ambry Genetics
Classification: Uncertain significance. Last evaluated: 2025-05-28. Review status: criteria provided, single submitter. Criteria: Ambry Variant Classification Scheme 2023. Collection method: clinical testing. Allele origin: germline.

Labcorp Genetics (formerly Invitae), Labcorp
Classification: Uncertain significance. Last evaluated: 2024-11-05. Review status: criteria provided, single submitter. Criteria: Invitae Variant Classification Sherloc (09022015). Collection method: clinical testing. Allele origin: germline.
Comment: This sequence change replaces arginine, which is basic and polar, with cysteine, which is neutral and slightly polar, at codon 61 of the FSCN2 protein (p.Arg61Cys). This variant is present in population databases (rs782670629, gnomAD 0.01%). This variant has not been reported in the literature in individuals affected with FSCN2-related conditions. ClinVar contains an entry for this variant (Variation ID: 955428). An algorithm developed to predict the effect of missense changes on protein structure and function (PolyPhen-2) suggests that this variant is likely to be disruptive. In summary, the available evidence is currently insufficient to determine the role of this variant in disease. Therefore, it has been classified as a Variant of Uncertain Significance.

NM_012418.4(FSCN2):c.181C>T (p.Arg61Cys)

Gene: FSCN2 (fascin actin-bundling protein 2, retinal; plus strand). Cytogenetic location: 17q25.3.
Variant type: single nucleotide variant.
Coding change: c.181C>T on transcript NM_012418.4 (MANE Select); coding-DNA position 181, C replaced by T.
Protein change: p.Arg61Cys; replaces arginine 61 with cysteine.
Molecular consequence: missense variant.
Genome position (GRCh38, 1-based): chr17:81,528,712, C>T. VCF-style: chr17-81528712-C-T. GRCh37 (hg19) VCF-style: chr17-79495738-C-T.
Other names: c.181C>T, p.Arg61Cys (NM_001077182.3); short protein forms R61C.
Identifiers: ClinVar variation 955428 (VCV000955428.9), dbSNP rs782670629, ClinGen allele CA8836605.